The following is an entry in ClinVar:

ClinVar aggregate classification (germline): Uncertain significance (1 of 4 stars; one submission).

Submission:

Ambry Genetics
Classification: Uncertain significance. Last evaluated: 2024-12-23. Review status: criteria provided, single submitter. Criteria: Ambry Variant Classification Scheme 2023. Collection method: clinical testing. Allele origin: germline.
Comment: The p.A1078D variant (also known as c.3233C>A), located in coding exon 12 of the WNK2 gene, results from a C to A substitution at nucleotide position 3233. The alanine at codon 1078 is replaced by aspartic acid, an amino acid with dissimilar properties. This amino acid position is conserved. In addition, this alteration is predicted to be tolerated by in silico analysis. Based on the available evidence, the clinical significance of this variant remains unclear.

NM_006648.4(WNK2):c.3233C>A (p.Ala1078Asp)

Gene: WNK2 (WNK lysine deficient protein kinase 2; plus strand). Cytogenetic location: 9q22.31.
Variant type: single nucleotide variant.
Coding change: c.3233C>A on transcript NM_006648.4 (MANE Select); coding-DNA position 3233, C replaced by A.
Protein change: p.Ala1078Asp; replaces alanine 1078 with aspartic acid.
Molecular consequence: missense variant.
Genome position (GRCh38, 1-based): chr9:93,261,980, C>A. VCF-style: chr9-93261980-C-A. GRCh37 (hg19) VCF-style: chr9-96024262-C-A.
Other names: c.3233C>A, p.Ala1078Asp (NM_001282394.3); short protein forms A1078D.
Identifiers: ClinVar variation 3816612 (VCV003816612.1).